The following is an entry in ClinVar:

NC_000017.10:g.(?_62018111)_(62987152_?)dup

Genes: ICAM2 (intercellular adhesion molecule 2; minus strand), LRRC37A3 (leucine rich repeat containing 37 member A3), MILR1 (mast cell immunoglobulin like receptor 1; plus strand), PECAM1 (platelet and endothelial cell adhesion molecule 1; minus strand), POLG2 (DNA polymerase gamma 2, accessory subunit; minus strand) and 7 more. Cytogenetic location: 17q23.3-24.1.
Variant type: Duplication.
Identifiers: ClinVar variation 477396 (VCV000477396.1).

ClinVar aggregate classification (germline): Uncertain significance (1 of 4 stars; one submission).

Conditions:
Hyperkalemic periodic paralysis. Also called: Gamstorp disease; Familial hyperkalemic periodic paralysis. Identifiers: Orphanet 682, MedGen C0238357, MONDO:0008224, OMIM 170500, HP:0007215.

Submission:

Labcorp Genetics (formerly Invitae), Labcorp
Classification: Uncertain significance for Hyperkalemic periodic paralysis. Last evaluated: 2017-05-25. Review status: criteria provided, single submitter. Criteria: Invitae Variant Classification Sherloc (09022015). Collection method: clinical testing. Allele origin: germline.
Comment: A gross duplication of the genomic region encompassing the full coding sequence of the SCN4A gene has been identified. The boundaries of this event are unknown as the duplication extends beyond the assayed region for this gene and therefore may encompass additional genes. As the precise location of this duplication is unknown, it may be in tandem or it may be located elsewhere in the genome. This variant has not been reported in the literature in individuals with a SCN4A-related disease. The exact genomic location of this variant is unknown. In summary, this variant has uncertain impact on SCN4A function. The available evidence is currently insufficient to determine its role in disease. Therefore, it has been classified as a Variant of Uncertain Significance.